The following is an entry in ClinVar:

NM_000256.3(MYBPC3):c.2994+1G>A

Gene: MYBPC3 (myosin binding protein C3; minus strand). Cytogenetic location: 11p11.2.
Variant type: single nucleotide variant.
Coding change: c.2994+1G>A on transcript NM_000256.3 (MANE Select); the canonical splice donor site of the intron after coding-DNA position 2994, G replaced by A.
Molecular consequence: splice donor variant.
Genome position (GRCh38, 1-based): chr11:47,333,921, C>T on the plus strand (G>A on the coding strand, the complement: MYBPC3 is on the minus strand). VCF-style: chr11-47333921-C-T. GRCh37 (hg19) VCF-style: chr11-47355472-C-T.
Identifiers: ClinVar variation 1027654 (VCV001027654.2), dbSNP rs2095879885, ClinGen allele CA380315747.

ClinVar aggregate classification (germline): Pathogenic. Review status: criteria provided, single submitter (1 of 4 stars). 2 submissions from 2 submitters: Pathogenic (1). 1 of the submissions does not count toward it. Last evaluated 2026-01-12.

Conditions:
Hypertrophic cardiomyopathy. Also called: HYPERTROPHIC MYOCARDIOPATHY. Identifiers: Orphanet 217569, MedGen C0007194, MeSH D002312, MONDO:0005045, HP:0001639.

Submissions (2):

Dasa
Classification: Pathogenic. Last evaluated: 2026-01-12. Review status: criteria provided, single submitter. Criteria: DASA Assertion Criteria. Collection method: clinical testing. Allele origin: germline.
Comment: NM_000256.3(MYBPC3):c.2994+1G>A introduces a premature termination codon predicted to result in loss of normal protein function. Loss-of-function is an established mechanism of disease for this gene. Multiple computational predictions support a deleterious effect on the gene or gene product. The variant is present at low frequency in population datasets. Based on the available data, this variant is classified as pathogenic.

Institute of Human Genetics, University of Wuerzburg
Classification: Likely pathogenic for Hypertrophic cardiomyopathy. Review status: no assertion criteria provided. Collection method: clinical testing. Allele origin: unknown. Not counted in ClinVar's aggregate classification.